The following is an entry in ClinVar:

NM_001127222.2(CACNA1A):c.6461G>A (p.Arg2154Gln)

Gene: CACNA1A (calcium voltage-gated channel subunit alpha1 A; minus strand). Cytogenetic location: 19p13.13.
Variant type: single nucleotide variant.
Coding change: c.6461G>A on transcript NM_001127222.2 (MANE Select); coding-DNA position 6461, G replaced by A.
Protein change: p.Arg2154Gln; replaces arginine 2154 with glutamine.
Molecular consequence: missense variant.
Genome position (GRCh38, 1-based): chr19:13,209,377, C>T on the plus strand (G>A on the coding strand, the complement: CACNA1A is on the minus strand). VCF-style: chr19-13209377-C-T. GRCh37 (hg19) VCF-style: chr19-13320191-C-T.
Other names: c.6479G>A, p.Arg2160Gln (NM_000068.4, NM_023035.3); c.6464G>A, p.Arg2155Gln (NM_001127221.2); c.6470G>A, p.Arg2157Gln (NM_001174080.2); short protein forms R2155Q, R2154Q, R2160Q, R2157Q.
Identifiers: ClinVar variation 2155807 (VCV002155807.5), dbSNP rs754317278, ClinGen allele CA9239359.

ClinVar aggregate classification (germline): Conflicting classifications of pathogenicity. Review status: criteria provided, conflicting classifications (1 of 4 stars). 2 submissions from 2 submitters: Uncertain significance (1); Likely benign (1). Last evaluated 2025-02-18.

Conditions:
Developmental and epileptic encephalopathy, 42 (DEE42A). Also called: DEVELOPMENTAL AND EPILEPTIC ENCEPHALOPATHY 42A; EPILEPTIC ENCEPHALOPATHY, EARLY INFANTILE, 42A; Epileptic encephalopathy, early infantile, 42. Identifiers: MedGen C4310716, MONDO:0014917, OMIM 617106.
Episodic ataxia type 2 (EA2). Also called: ATAXIA, EPISODIC, WITH NYSTAGMUS; ATAXIA, FAMILIAL PAROXYSMAL; CEREBELLAR ATAXIA, PAROXYSMAL, ACETAZOLAMIDE-RESPONSIVE; CEREBELLOPATHY, HEREDITARY PAROXYSMAL; EPISODIC ATAXIA, NYSTAGMUS-ASSOCIATED; ACETAZOLAMIDE-RESPONSIVE HEREDITARY PAROXYSMAL CEREBELLAR ATAXIA. Identifiers: Orphanet 97, MedGen C1720416, MONDO:0007163, OMIM 108500.

Allele frequency attached by ClinVar (database versions not stated): gnomAD 0.00001.
gnomAD v4.1: 18 of 1,389,334 alleles (0.0013%); highest among the groups gnomAD compares: South Asian, 0.019%; no homozygotes.

Submissions (2):

GeneDx
Classification: Uncertain significance. Last evaluated: 2025-02-18. Review status: criteria provided, single submitter. Criteria: GeneDx Variant Classification Process June 2021. Collection method: clinical testing. Allele origin: germline. Affected: yes.
Comment: Not observed at significant frequency in large population cohorts (gnomAD); In silico analysis supports that this missense variant has a deleterious effect on protein structure/function; Has not been previously published as pathogenic or benign to our knowledge

Labcorp Genetics (formerly Invitae), Labcorp
Classification: Likely benign for Developmental and epileptic encephalopathy, 42; Episodic ataxia type 2. Last evaluated: 2024-02-21. Review status: criteria provided, single submitter. Criteria: Invitae Variant Classification Sherloc (09022015). Collection method: clinical testing. Allele origin: germline.